The following is an entry in ClinVar:

NM_025137.4(SPG11):c.969C>G (p.Tyr323Ter)

Gene: SPG11 (SPG11 vesicle trafficking associated, spatacsin; minus strand). Cytogenetic location: 15q21.1.
Variant type: single nucleotide variant.
Coding change: c.969C>G on transcript NM_025137.4 (MANE Select); coding-DNA position 969, C replaced by G.
Protein change: p.Tyr323Ter; replaces tyrosine 323 with a stop codon.
Molecular consequence: nonsense.
Genome position (GRCh38, 1-based): chr15:44,652,167, G>C on the plus strand (C>G on the coding strand, the complement: SPG11 is on the minus strand). VCF-style: chr15-44652167-G-C. GRCh37 (hg19) VCF-style: chr15-44944365-G-C.
Other names: c.969C>G, p.Tyr323Ter (NM_001160227.2, NM_001411132.1); short protein forms Y323*.
Identifiers: ClinVar variation 3383999 (VCV003383999.1).

ClinVar aggregate classification (germline): Likely pathogenic (1 of 4 stars; one submission).

Conditions:
Charcot-Marie-Tooth disease. Also called: Charcot-Marie-Tooth Neuropathy; Charcot-Marie-Tooth Hereditary Neuropathy. Identifiers: Orphanet 166, MedGen C0007959, MONDO:0015626.

Submission:

Dubai Health Genomic Medicine Center, Dubai Health
Classification: Likely pathogenic for Charcot-Marie-Tooth disease. Last evaluated: 2024-10-04. Review status: criteria provided, single submitter. Criteria: ACMG Guidelines, 2015. Collection method: research. Allele origin: germline. Affected: yes.
Comment: PVS1,PM3